The following is an entry in ClinVar:

NM_003070.5(SMARCA2):c.3701C>G (p.Pro1234Arg)

Gene: SMARCA2 (SWI/SNF related BAF chromatin remodeling complex subunit ATPase 2; plus strand). Cytogenetic location: 9p24.3.
Variant type: single nucleotide variant.
Coding change: c.3701C>G on transcript NM_003070.5 (MANE Select); coding-DNA position 3701, C replaced by G.
Protein change: p.Pro1234Arg; replaces proline 1234 with arginine.
Molecular consequence: missense variant.
Genome position (GRCh38, 1-based): chr9:2,119,474, C>G. VCF-style: chr9-2119474-C-G. GRCh37 (hg19) VCF-style: chr9-2119474-C-G.
Other names: c.3701C>G, p.Pro1234Arg (NM_001289396.2, NM_139045.4); c.3527C>G, p.Pro1176Arg (NM_001289397.2); short protein forms P1176R, P1234R.
Identifiers: ClinVar variation 4532731 (VCV004532731.1).
Genomic context (GRCh38, chr9:2,119,474, plus strand): 5'-CCCCAGCTGTCCACTGGTTAAAATCACTCTGTTTTTAACCCCAGGAAGAAGATGAAGTAC[C>G]GGACGATGAGACTCTGAACCAAATGATTGCTCGACGAGAAGAAGAATTTGACCTTTTTAT-3'
Protein context (NP_003061.3, residues 1224-1244): EEENEEEDEV[Pro1234Arg]DDETLNQMIA

ClinVar aggregate classification (germline): Uncertain significance (1 of 4 stars; one submission).

Submission:

GeneDx
Classification: Uncertain significance. Last evaluated: 2025-05-30. Review status: criteria provided, single submitter. Criteria: GeneDx Variant Classification Process June 2021. Collection method: clinical testing. Allele origin: germline. Affected: yes.
Comment: Not observed at significant frequency in large population cohorts (gnomAD); In silico analysis supports that this missense variant has a deleterious effect on protein structure/function; Has not been previously published as pathogenic or benign to our knowledge